The following is an entry in ClinVar:

NM_003611.3(OFD1):c.579C>G (p.Phe193Leu)

Gene: OFD1 (OFD1 centriole and centriolar satellite protein; plus strand). Cytogenetic location: Xp22.2.
Variant type: single nucleotide variant.
Coding change: c.579C>G on transcript NM_003611.3 (MANE Select); coding-DNA position 579, C replaced by G.
Protein change: p.Phe193Leu; replaces phenylalanine 193 with leucine.
Molecular consequence: missense variant.
Genome position (GRCh38, 1-based): chrX:13,746,380, C>G. VCF-style: chrX-13746380-C-G. GRCh37 (hg19) VCF-style: chrX-13764499-C-G.
Other names: c.579C>G, p.Phe193Leu (NM_001330209.2); c.159C>G, p.Phe53Leu (NM_001330210.2); c.579C>G (NM_003611.2); short protein forms F193L, F53L.
Identifiers: ClinVar variation 2168834 (VCV002168834.5), dbSNP rs780256374, ClinGen allele CA412337123.

ClinVar aggregate classification (germline): Conflicting classifications of pathogenicity. Review status: criteria provided, conflicting classifications (1 of 4 stars). 2 submissions from 2 submitters: Uncertain significance (1); Likely benign (1). Last evaluated 2026-05-19.

Conditions:
Primary ciliary dyskinesia. Also called: Ciliary dyskinesia. Identifiers: Orphanet 244, MedGen C0008780, MONDO:0016575, HP:0012265.
Joubert syndrome. Also called: JOUBERT-BOLTSHAUSER SYNDROME; Familial aplasia of the vermis. Identifiers: Orphanet 475, MedGen C5979921, MONDO:0018772.
Orofaciodigital syndrome I (OFD1). Also called: Oral-Facial-Digital Syndrome Type I; OFDS I; Papillon-Leage and Psaume Syndrome. Identifiers: Orphanet 2750, MedGen C1510460, MONDO:0010702, OMIM 311200.

gnomAD v4.1: 3 of 1,205,145 alleles (0.00025%); highest among the groups gnomAD compares: Non-Finnish European, 0.00011%; no homozygotes.

Submissions (2):

Ambry Genetics
Classification: Likely benign for Primary ciliary dyskinesia. Last evaluated: 2026-05-19. Review status: criteria provided, single submitter. Criteria: Ambry Variant Classification Scheme 2023. Collection method: clinical testing. Allele origin: germline.

Labcorp Genetics (formerly Invitae), Labcorp
Classification: Uncertain significance for Orofaciodigital syndrome I; Joubert syndrome. Last evaluated: 2022-02-20. Review status: criteria provided, single submitter. Criteria: Invitae Variant Classification Sherloc (09022015). Collection method: clinical testing. Allele origin: germline.
Comment: This sequence change replaces phenylalanine, which is neutral and non-polar, with leucine, which is neutral and non-polar, at codon 193 of the OFD1 protein (p.Phe193Leu). This variant is not present in population databases (gnomAD no frequency). This variant has not been reported in the literature in individuals affected with OFD1-related conditions. Algorithms developed to predict the effect of missense changes on protein structure and function output the following: SIFT: "Tolerated"; PolyPhen-2: "Benign"; Align-GVGD: "Class C0". The leucine amino acid residue is found in multiple mammalian species, which suggests that this missense change does not adversely affect protein function. In summary, the available evidence is currently insufficient to determine the role of this variant in disease. Therefore, it has been classified as a Variant of Uncertain Significance.